The following is an entry in ClinVar:

ClinVar aggregate classification (germline): Benign/Likely benign. Review status: criteria provided, multiple submitters, no conflicts (2 of 4 stars). 15 submissions from 14 submitters: Benign (9); Likely benign (2). 4 of the submissions do not count toward it. Last evaluated 2026-02-03.

Conditions:
Cardiovascular phenotype. Identifiers: MedGen CN230736.
Autosomal dominant nonsyndromic hearing loss 10. Identifiers: Orphanet 90635, MedGen C1832476, MONDO:0011031, OMIM 601316.
Dilated cardiomyopathy 1J (CMD1J). Also called: CARDIOMYOPATHY, DILATED, WITH SENSORINEURAL HEARING LOSS, AUTOSOMAL DOMINANT. Identifiers: Orphanet 217622, MedGen C1854368, MONDO:0011541, OMIM 605362.

Allele frequency attached by ClinVar (database versions not stated): 1000 Genomes Project 30x 0.00718; 1000 Genomes Project 0.00819; TOPMed 0.00832; gnomAD 0.00854 and 0.00903; ESP Exome Variant Server 0.01000; gnomAD exomes 0.01168 and 0.01269; ExAC 0.01241.
gnomAD v4.1: 19,965 of 1,611,356 alleles (1.2%); highest among the groups gnomAD compares: Middle Eastern, 2.5%; 201 homozygotes.

Submissions (15):

Labcorp Genetics (formerly Invitae), Labcorp
Classification: Benign for Dilated cardiomyopathy 1J. Last evaluated: 2026-02-03. Review status: criteria provided, single submitter. Criteria: Invitae Variant Classification Sherloc (09022015). Collection method: clinical testing. Allele origin: germline.

ARUP Laboratories, Molecular Genetics and Genomics, ARUP Laboratories
Classification: Benign. Last evaluated: 2023-10-06. Review status: criteria provided, single submitter. Criteria: ARUP Molecular Germline Variant Investigation Process 2024. Collection method: clinical testing. Allele origin: germline.

Mayo Clinic Laboratories, Mayo Clinic
Classification: Benign. Last evaluated: 2021-08-06. Review status: criteria provided, single submitter. Criteria: ACMG Guidelines, 2015. Collection method: clinical testing. Allele origin: germline. Observed: 5 variant alleles.
Comment: BA1, BS2

Women's Health and Genetics/Laboratory Corporation of America, LabCorp
Classification: Benign. Last evaluated: 2020-02-22. Review status: criteria provided, single submitter. Criteria: LabCorp Variant Classification Summary - May 2015. Collection method: clinical testing. Allele origin: germline.

GeneDx
Classification: Benign. Last evaluated: 2018-02-05. Review status: criteria provided, single submitter. Criteria: GeneDx Variant Classification (06012015). Collection method: clinical testing. Allele origin: germline. Affected: yes.
Comment: This variant is considered likely benign or benign based on one or more of the following criteria: it is a conservative change, it occurs at a poorly conserved position in the protein, it is predicted to be benign by multiple in silico algorithms, and/or has population frequency not consistent with disease.

Illumina Laboratory Services, Illumina
Classification: Likely benign for Dilated cardiomyopathy 1J. Last evaluated: 2018-01-13. Review status: criteria provided, single submitter. Criteria: ICSL Variant Classification Criteria 13 December 2019. Collection method: clinical testing. Allele origin: germline.
Comment: This variant was observed in the ICSL laboratory as part of a predisposition screen in an ostensibly healthy population. It had not been previously curated by ICSL or reported in the Human Gene Mutation Database (HGMD: prior to June 1st, 2018), and was therefore a candidate for classification through an automated scoring system. Utilizing variant allele frequency, disease prevalence and penetrance estimates, and inheritance mode, an automated score was calculated to assess if this variant is too frequent to cause the disease. Based on the score and internal cut-off values, a variant classified as likely benign is not then subjected to further curation. The score for this variant resulted in a classification of likely benign for this disease.

Illumina Laboratory Services, Illumina
Classification: Benign for Autosomal dominant nonsyndromic hearing loss 10. Last evaluated: 2018-01-13. Review status: criteria provided, single submitter. Criteria: ICSL Variant Classification Criteria 13 December 2019. Collection method: clinical testing. Allele origin: germline.
Comment: This variant was observed in the ICSL laboratory as part of a predisposition screen in an ostensibly healthy population. It had not been previously curated by ICSL or reported in the Human Gene Mutation Database (HGMD: prior to June 1st, 2018), and was therefore a candidate for classification through an automated scoring system. Utilizing variant allele frequency, disease prevalence and penetrance estimates, and inheritance mode, an automated score was calculated to assess if this variant is too frequent to cause the disease. Based on the score and internal cut-off values, a variant classified as benign is not then subjected to further curation. The score for this variant resulted in a classification of benign for this disease.

Ambry Genetics
Classification: Benign for Cardiovascular phenotype. Last evaluated: 2015-06-19. Review status: criteria provided, single submitter. Criteria: Ambry Variant Classification Scheme 2023. Collection method: clinical testing. Allele origin: germline.

Laboratory for Molecular Medicine, Mass General Brigham Personalized Medicine
Classification: Benign. Last evaluated: 2012-05-07. Review status: criteria provided, single submitter. Criteria: LMM Criteria. Collection method: clinical testing. Allele origin: germline. Observed: 44 variant alleles.
Comment: "Asn615Asn in Exon 20 of EYA4: This variant is not expected to have clinical sig nificance because it does not alter an amino acid residue, is not located within the splice consensus sequence, and has been identified in 1.2% (87/7020) of Eur opean American chromosomes from a broad population by the NHLBI Exome Sequencing Project (dbSNP rs142721902)."

Breakthrough Genomics
Classification: Likely benign. Review status: criteria provided, single submitter. Criteria: ACMG Guidelines, 2015. Collection method: not provided. Allele origin: germline. Inheritance: Autosomal dominant inheritance. Affected: yes.

PreventionGenetics, part of Exact Sciences
Classification: Benign. Review status: criteria provided, single submitter. Criteria: ACMG Guidelines, 2015. Collection method: clinical testing. Allele origin: germline.

Clinical Genetics DNA and cytogenetics Diagnostics Lab, Erasmus MC, Erasmus Medical Center
Classification: Likely benign. Review status: no assertion criteria provided. Collection method: clinical testing. Allele origin: germline. Affected: yes. Study: VKGL Data-share Consensus. Not counted in ClinVar's aggregate classification.

Diagnostic Laboratory, Department of Genetics, University Medical Center Groningen
Classification: Likely benign. Review status: no assertion criteria provided. Collection method: clinical testing. Allele origin: germline. Affected: yes. Study: VKGL Data-share Consensus. Not counted in ClinVar's aggregate classification.

Genome Diagnostics Laboratory, University Medical Center Utrecht
Classification: Benign. Review status: no assertion criteria provided. Collection method: clinical testing. Allele origin: germline. Affected: yes. Study: VKGL Data-share Consensus. Not counted in ClinVar's aggregate classification.

Joint Genome Diagnostic Labs from Nijmegen and Maastricht, Radboudumc and MUMC+
Classification: Benign. Review status: no assertion criteria provided. Collection method: clinical testing. Allele origin: germline. Affected: yes. Study: VKGL Data-share Consensus. Not counted in ClinVar's aggregate classification.

NM_004100.5(EYA4):c.1845C>T (p.Asn615=)

Genes: EYA4 (EYA transcriptional coactivator and phosphatase 4; plus strand), TARID (TCF21 antisense RNA inducing promoter demethylation; minus strand). Cytogenetic location: 6q23.2.
Variant type: single nucleotide variant.
Coding change: c.1845C>T on transcript NM_004100.5 (MANE Select); coding-DNA position 1845, C replaced by T.
Protein change: p.Asn615=; no amino-acid change (asparagine 615 retained).
Molecular consequence: synonymous variant.
Genome position (GRCh38, 1-based): chr6:133,528,730, C>T. VCF-style: chr6-133528730-C-T. GRCh37 (hg19) VCF-style: chr6-133849868-C-T.
Other names: p.Asn615=; c.1683C>T, p.Asn561= (NM_001301012.2); c.1863C>T, p.Asn621= (NM_001301013.2); c.1776C>T, p.Asn592= (NM_001370458.1, NM_172103.4); c.1701C>T, p.Asn567= (NM_001370459.1); c.1845C>T, p.Asn615= (NM_172105.4).
Identifiers: ClinVar variation 36031 (VCV000036031.40), dbSNP rs142721902, ClinGen allele CA135004.